The following is an entry in ClinVar:

ClinVar aggregate classification (germline): Benign (1 of 4 stars; one submission).

Allele frequency attached by ClinVar (database versions not stated): 1000 Genomes Project 30x 0.31621; 1000 Genomes Project 0.32009; TOPMed 0.34461; gnomAD 0.35513 and 0.36067.
gnomAD v4.1: 54,445 of 150,744 alleles (36%); highest among the groups gnomAD compares: Middle Eastern, 51%; 10,931 homozygotes.

Submission:

GeneDx
Classification: Benign. Last evaluated: 2018-06-15. Review status: criteria provided, single submitter. Criteria: GeneDx Variant Classification (06012015). Collection method: clinical testing. Allele origin: germline. Affected: yes.
Comment: This variant is considered likely benign or benign based on one or more of the following criteria: it is a conservative change, it occurs at a poorly conserved position in the protein, it is predicted to be benign by multiple in silico algorithms, and/or has population frequency not consistent with disease.

NM_020297.4(ABCC9):c.2340-233A>G

Gene: ABCC9 (ATP binding cassette subfamily C member 9; minus strand). Cytogenetic location: 12p12.1.
Variant type: single nucleotide variant.
Coding change: c.2340-233A>G on transcript NM_020297.4 (MANE Select); 233 bases into the intron before coding-DNA position 2340, A replaced by G.
Molecular consequence: intron variant.
Genome position (GRCh38, 1-based): chr12:21,861,288, T>C on the plus strand (A>G on the coding strand, the complement: ABCC9 is on the minus strand). VCF-style: chr12-21861288-T-C. GRCh37 (hg19) VCF-style: chr12-22014222-T-C.
Other names: c.1473-233A>G (NM_001377274.1); c.2340-233A>G (NM_005691.4, NM_001377273.1).
Identifiers: ClinVar variation 677919 (VCV000677919.1), dbSNP rs1972613, ClinGen allele CA13644019.